The following is an entry in ClinVar:

ClinVar aggregate classification (germline): Likely pathogenic (1 of 4 stars; one submission).

Conditions:
Autosomal recessive nonsyndromic hearing loss 84A. Also called: DEAFNESS, AUTOSOMAL RECESSIVE 84A; DEAFNESS, AUTOSOMAL RECESSIVE 84A, WITH VESTIBULAR DYSFUNCTION. Identifiers: Orphanet 90636, MedGen C3150654, MONDO:0013249, OMIM 613391.

Submission:

Juno Genomics, Hangzhou Juno Genomics, Inc
Classification: Likely pathogenic for Autosomal recessive nonsyndromic hearing loss 84A. Review status: criteria provided, single submitter. Criteria: ACMG Guidelines, 2015. Collection method: clinical testing. Allele origin: germline.
Comment: Null variant in a gene where loss of function (LOF) is a known mechanism of disease.;Absent from controls (or at extremely low frequency if recessive) in Genome Aggregation Database.

NM_001145026.2(PTPRQ):c.2948_2949del (p.Ser983fs)

Gene: PTPRQ (protein tyrosine phosphatase receptor type Q; plus strand). Cytogenetic location: 12q21.31.
Variant type: Microsatellite.
Coding change: c.2948_2949del on transcript NM_001145026.2 (MANE Select); coding-DNA positions 2948 to 2949, 2 bases deleted (CT; older notation c.2948_2949delCT).
Protein change: p.Ser983fs; shifts the reading frame from serine 983.
Molecular consequence: frameshift variant.
Genome position (GRCh38, 1-based): chr12:80,535,000-80,535,001, CT deleted; deleting any 2 consecutive bases within chr12:80,534,998-80,535,001 gives the same sequence; the c. name uses the placement nearest the transcript's 3' end. VCF-style (leftmost placement, unchanged base first): chr12-80534997-ACT-A. GRCh37 (hg19) VCF-style: chr12-80928776-ACT-A.
Other names: short protein forms S983fs.
Identifiers: ClinVar variation 5005185 (VCV005005185.2).